The following is an entry in ClinVar:

ClinVar aggregate classification (germline): Uncertain significance. Review status: criteria provided, multiple submitters, no conflicts (2 of 4 stars). 6 submissions from 4 submitters: Uncertain significance (6). Last evaluated 2026-06-22.

Conditions:
RPGRIP1-related disorder. Also called: RPGRIP1-related condition.
Cone-rod dystrophy 13 (CORD13). Identifiers: Orphanet 1872, MedGen C2750720, MONDO:0011987, OMIM 608194.
Leber congenital amaurosis 6 (LCA6). Identifiers: Orphanet 65, MedGen C1854260, MONDO:0013446, OMIM 613826.

Allele frequency attached by ClinVar (database versions not stated): ExAC 0.00004; gnomAD 0.00005 and 0.00006; TOPMed 0.00006; ESP Exome Variant Server 0.00008; gnomAD exomes 0.00011.
gnomAD v4.1: 168 of 1,613,520 alleles (0.01%); highest among the groups gnomAD compares: Non-Finnish European, 0.014%; no homozygotes.

Submissions (6):

PreventionGenetics, part of Exact Sciences
Classification: Uncertain significance for RPGRIP1-related condition. Last evaluated: 2026-06-22. Review status: criteria provided, single submitter. Criteria: ACMG Guidelines, 2015. Collection method: clinical testing. Allele origin: germline.
Comment: The RPGRIP1 c.3064C>T variant is predicted to result in the amino acid substitution p.Leu1022Phe. To our knowledge, this variant has not been reported in the literature. This variant is reported in 0.012% of alleles in individuals of European (Non-Finnish) descent in gnomAD. At this time, the clinical significance of this variant is uncertain due to the absence of conclusive functional and genetic evidence.

Labcorp Genetics (formerly Invitae), Labcorp
Classification: Uncertain significance for Leber congenital amaurosis 6; Cone-rod dystrophy 13. Last evaluated: 2025-01-13. Review status: criteria provided, single submitter. Criteria: Invitae Variant Classification Sherloc (09022015). Collection method: clinical testing. Allele origin: germline.
Comment: This sequence change replaces leucine, which is neutral and non-polar, with phenylalanine, which is neutral and non-polar, at codon 1022 of the RPGRIP1 protein (p.Leu1022Phe). This variant is present in population databases (rs367899074, gnomAD 0.01%). This variant has not been reported in the literature in individuals affected with RPGRIP1-related conditions. ClinVar contains an entry for this variant (Variation ID: 312798). Invitae Evidence Modeling of protein sequence and biophysical properties (such as structural, functional, and spatial information, amino acid conservation, physicochemical variation, residue mobility, and thermodynamic stability) indicates that this missense variant is not expected to disrupt RPGRIP1 protein function with a negative predictive value of 80%. In summary, the available evidence is currently insufficient to determine the role of this variant in disease. Therefore, it has been classified as a Variant of Uncertain Significance.

Genome-Nilou Lab
Classification: Uncertain significance for Leber congenital amaurosis 6. Last evaluated: 2021-11-07. Review status: criteria provided, single submitter. Criteria: ACMG Guidelines, 2015. Collection method: clinical testing. Allele origin: germline. Affected: no.

Genome-Nilou Lab
Classification: Uncertain significance for Cone-rod dystrophy 13. Last evaluated: 2021-11-07. Review status: criteria provided, single submitter. Criteria: ACMG Guidelines, 2015. Collection method: clinical testing. Allele origin: germline. Affected: no.

Illumina Laboratory Services, Illumina
Classification: Uncertain significance for Cone-rod dystrophy 13. Last evaluated: 2018-01-12. Review status: criteria provided, single submitter. Criteria: ICSL Variant Classification Criteria 13 December 2019. Collection method: clinical testing. Allele origin: germline.

Illumina Laboratory Services, Illumina
Classification: Uncertain significance for Leber congenital amaurosis 6. Last evaluated: 2018-01-12. Review status: criteria provided, single submitter. Criteria: ICSL Variant Classification Criteria 13 December 2019. Collection method: clinical testing. Allele origin: germline.

NM_020366.4(RPGRIP1):c.3064C>T (p.Leu1022Phe)

Gene: RPGRIP1 (RPGR interacting protein 1; plus strand). Cytogenetic location: 14q11.2.
Variant type: single nucleotide variant.
Coding change: c.3064C>T on transcript NM_020366.4 (MANE Select); coding-DNA position 3064, C replaced by T.
Protein change: p.Leu1022Phe; replaces leucine 1022 with phenylalanine.
Molecular consequence: missense variant.
Genome position (GRCh38, 1-based): chr14:21,328,592, C>T. VCF-style: chr14-21328592-C-T. GRCh37 (hg19) VCF-style: chr14-21796751-C-T.
Other names: c.1042C>T, p.Leu348Phe (NM_001377523.1, NM_001377950.1); c.1990C>T, p.Leu664Phe (NM_001377948.1); c.1150C>T, p.Leu384Phe (NM_001377949.1); c.544C>T, p.Leu182Phe (NM_001377951.1); short protein forms L1022F, L182F, L348F, L384F, L664F.
Identifiers: ClinVar variation 312798 (VCV000312798.14), dbSNP rs367899074, ClinGen allele CA7089404.